The following is an entry in ClinVar:

NM_144997.7(FLCN):c.631G>A (p.Glu211Lys)

Gene: FLCN (folliculin; minus strand). Cytogenetic location: 17p11.2.
Variant type: single nucleotide variant.
Coding change: c.631G>A on transcript NM_144997.7 (MANE Select); coding-DNA position 631, G replaced by A.
Protein change: p.Glu211Lys; replaces glutamic acid 211 with lysine.
Molecular consequence: missense variant.
Genome position (GRCh38, 1-based): chr17:17,222,649, C>T on the plus strand (G>A on the coding strand, the complement: FLCN is on the minus strand). VCF-style: chr17-17222649-C-T. GRCh37 (hg19) VCF-style: chr17-17125963-C-T.
Other names: c.685G>A, p.Glu229Lys (NM_001353229.2); c.631G>A, p.Glu211Lys (NM_001353230.2, NM_001353231.2, NM_144606.7); short protein forms E211K, E229K.
Identifiers: ClinVar variation 4025310 (VCV004025310.1).

ClinVar aggregate classification (germline): Uncertain significance (1 of 4 stars; one submission).

Conditions:
Hereditary cancer-predisposing syndrome. Also called: Tumor predisposition; Hereditary neoplastic syndrome; Neoplastic Syndromes, Hereditary; Hereditary Cancer Syndrome. Identifiers: Orphanet 140162, MedGen C0027672, MeSH D009386, MONDO:0015356.

Submission:

Ambry Genetics
Classification: Uncertain significance for Hereditary cancer-predisposing syndrome. Last evaluated: 2025-04-23. Review status: criteria provided, single submitter. Criteria: Ambry Variant Classification Scheme 2023. Collection method: clinical testing. Allele origin: germline.
Comment: The p.E211K variant (also known as c.631G>A), located in coding exon 4 of the FLCN gene, results from a G to A substitution at nucleotide position 631. The glutamic acid at codon 211 is replaced by lysine, an amino acid with similar properties. This amino acid position is highly conserved in available vertebrate species. In addition, this alteration is predicted to be deleterious by in silico analysis. Based on the available evidence, the clinical significance of this variant remains unclear.